The following is an entry in ClinVar:

ClinVar aggregate classification (germline): Uncertain significance. Review status: criteria provided, multiple submitters, no conflicts (2 of 4 stars). 2 submissions from 2 submitters: Uncertain significance (2). Last evaluated 2022-09-07.

gnomAD v4.1: 6 of 1,614,046 alleles (0.00037%); highest among the groups gnomAD compares: Middle Eastern, 0.082%; no homozygotes.

Submissions (2):

Labcorp Genetics (formerly Invitae), Labcorp
Classification: Uncertain significance. Last evaluated: 2022-09-07. Review status: criteria provided, single submitter. Criteria: Invitae Variant Classification Sherloc (09022015). Collection method: clinical testing. Allele origin: germline.
Comment: This sequence change replaces glutamic acid, which is acidic and polar, with alanine, which is neutral and non-polar, at codon 282 of the GRM6 protein (p.Glu282Ala). This variant is not present in population databases (gnomAD no frequency). This variant has not been reported in the literature in individuals affected with GRM6-related conditions. ClinVar contains an entry for this variant (Variation ID: 1467388). Advanced modeling of protein sequence and biophysical properties (such as structural, functional, and spatial information, amino acid conservation, physicochemical variation, residue mobility, and thermodynamic stability) performed at Invitae indicates that this missense variant is not expected to disrupt GRM6 protein function. In summary, the available evidence is currently insufficient to determine the role of this variant in disease. Therefore, it has been classified as a Variant of Uncertain Significance.

Blueprint Genetics
Classification: Uncertain significance. Last evaluated: 2021-08-17. Review status: criteria provided, single submitter. Criteria: ACMG Guidelines, 2015. Collection method: clinical testing. Allele origin: germline.

NM_000843.4(GRM6):c.845A>C (p.Glu282Ala)

Gene: GRM6 (glutamate metabotropic receptor 6; minus strand). Cytogenetic location: 5q35.3.
Variant type: single nucleotide variant.
Coding change: c.845A>C on transcript NM_000843.4 (MANE Select); coding-DNA position 845, A replaced by C.
Protein change: p.Glu282Ala; replaces glutamic acid 282 with alanine.
Molecular consequence: missense variant.
Genome position (GRCh38, 1-based): chr5:178,991,436, T>G on the plus strand (A>C on the coding strand, the complement: GRM6 is on the minus strand). VCF-style: chr5-178991436-T-G. GRCh37 (hg19) VCF-style: chr5-178418437-T-G.
Other names: short protein forms E282A.
Identifiers: ClinVar variation 1467388 (VCV001467388.4), dbSNP rs2113341976, ClinGen allele CA362432750.